The following is an entry in ClinVar:

ClinVar aggregate classification (germline): Pathogenic (1 of 4 stars; one submission).

Conditions:
Cardiovascular phenotype. Identifiers: MedGen CN230736.

Submission:

Ambry Genetics
Classification: Pathogenic for Cardiovascular phenotype. Last evaluated: 2023-10-13. Review status: criteria provided, single submitter. Criteria: Ambry Variant Classification Scheme 2023. Collection method: clinical testing. Allele origin: germline.
Comment: The c.6337_6338delAA pathogenic mutation, located in coding exon 38 of the FLNC gene, results from a deletion of two nucleotides at nucleotide positions 6337 to 6338, causing a translational frameshift with a predicted alternate stop codon (p.K2113Vfs*3). This variant is considered to be rare based on population cohorts in the Genome Aggregation Database (gnomAD). This alteration is expected to result in loss of function by premature protein truncation or nonsense-mediated mRNA decay. Based on the supporting evidence, this variant is expected to be causative of FLNC-related dilated cardiomyopathy; however, its clinical significance for FLNC-related hypertrophic/restrictive cardiomyopathy and/or skeletal myopathy is unclear.

NM_001458.5(FLNC):c.6337_6338del (p.Lys2113fs)

Genes: FLNC (filamin C; plus strand), FLNC-AS1 (FLNC antisense RNA 1; minus strand). Cytogenetic location: 7q32.1.
Variant type: Deletion.
Coding change: c.6337_6338del on transcript NM_001458.5 (MANE Select); coding-DNA positions 6337 to 6338, 2 bases deleted (AA; older notation c.6337_6338delAA).
Protein change: p.Lys2113fs; shifts the reading frame from lysine 2113.
Molecular consequence: frameshift variant.
Genome position (GRCh38, 1-based): chr7:128,853,597-128,853,598, AA deleted. VCF-style (leftmost placement, unchanged base first): chr7-128853596-CAA-C. GRCh37 (hg19) VCF-style: chr7-128493650-CAA-C.
Other names: c.6238_6239del, p.Lys2080fs (NM_001127487.2); short protein forms K2080fs, K2113fs.
Identifiers: ClinVar variation 3221747 (VCV003221747.1), dbSNP rs2536662298, ClinGen allele CA2825001528.